The following is an entry in ClinVar:

NM_002691.4(POLD1):c.2244_2245inv (p.Ala749Thr)

Gene: POLD1 (DNA polymerase delta 1, catalytic subunit; plus strand). Cytogenetic location: 19q13.33.
Variant type: Inversion.
Coding change: c.2244_2245inv on transcript NM_002691.4 (MANE Select).
Protein change: p.Ala749Thr; replaces alanine 749 with threonine.
Molecular consequence: missense variant. On other transcripts: non-coding transcript variant (1).
Genome position: GRCh38 VCF-style: chr19-50413515-TG-CA. GRCh37 (hg19) VCF-style: chr19-50916772-TG-CA.
Other names: c.2172_2173inv, p.Ala725Thr (NM_001438210.1, NM_001438211.1); c.2244_2245inv, p.Ala749Thr (NM_001438212.1, NM_001438213.1, NM_001256849.1); c.2322_2323inv, p.Ala775Thr (NM_001308632.1); short protein forms A725T, A749T, A775T.
Identifiers: ClinVar variation 4669252 (VCV004669252.1).

ClinVar aggregate classification (germline): Uncertain significance (1 of 4 stars; one submission).

Conditions:
Hereditary cancer-predisposing syndrome. Also called: Neoplastic Syndromes, Hereditary; Tumor predisposition; Hereditary Cancer Syndrome; Hereditary neoplastic syndrome. Identifiers: Orphanet 140162, MedGen C0027672, MeSH D009386, MONDO:0015356.

Submission:

Ambry Genetics
Classification: Uncertain significance for Hereditary cancer-predisposing syndrome. Last evaluated: 2025-11-19. Review status: criteria provided, single submitter. Criteria: Ambry Variant Classification Scheme 2023. Collection method: clinical testing. Allele origin: germline.
Comment: The c.2244_2245delTGinsCA variant (also known as p.A749T), located in coding exon 17 of the POLD1 gene, results from an in-frame deletion of TG and insertion of CA at nucleotide positions 2244 to 2245. This results in the substitution of the alanine residue for a threonine residue at codon 749, an amino acid with similar properties. This amino acid position is highly conserved in available vertebrate species. In addition, the in silico prediction for this alteration is inconclusive. Based on the available evidence, the clinical significance of this variant remains unclear.